The following is an entry in ClinVar:

ClinVar aggregate classification (germline): Uncertain significance. Review status: criteria provided, multiple submitters, no conflicts (2 of 4 stars). 2 submissions from 2 submitters: Uncertain significance (2). Last evaluated 2024-07-22.

Allele frequency attached by ClinVar (database versions not stated): gnomAD 0.00001; ExAC 0.00002; TOPMed 0.00002.
gnomAD v4.1: 18 of 1,613,634 alleles (0.0011%); highest among the groups gnomAD compares: Non-Finnish European, 0.0014%; no homozygotes.

Submissions (2):

Labcorp Genetics (formerly Invitae), Labcorp
Classification: Uncertain significance. Last evaluated: 2024-07-22. Review status: criteria provided, single submitter. Criteria: Invitae Variant Classification Sherloc (09022015). Collection method: clinical testing. Allele origin: germline.
Comment: This sequence change replaces proline, which is neutral and non-polar, with serine, which is neutral and polar, at codon 1287 of the DLC1 protein (p.Pro1287Ser). This variant is present in population databases (rs775033474, gnomAD 0.004%). This variant has not been reported in the literature in individuals affected with DLC1-related conditions. ClinVar contains an entry for this variant (Variation ID: 2215105). An algorithm developed to predict the effect of missense changes on protein structure and function (PolyPhen-2) suggests that this variant is likely to be disruptive. In summary, the available evidence is currently insufficient to determine the role of this variant in disease. Therefore, it has been classified as a Variant of Uncertain Significance.

Ambry Genetics
Classification: Uncertain significance. Last evaluated: 2022-04-12. Review status: criteria provided, single submitter. Criteria: Ambry Variant Classification Scheme 2023. Collection method: clinical testing. Allele origin: germline.

NM_182643.3(DLC1):c.3859C>T (p.Pro1287Ser)

Genes: DLC1 (DLC1 Rho GTPase activating protein; minus strand), LOC126860305 (MED14-independent group 3 enhancer GRCh37_chr8:12947375-12948574; plus strand). Cytogenetic location: 8p22.
Variant type: single nucleotide variant.
Coding change: c.3859C>T on transcript NM_182643.3 (MANE Select); coding-DNA position 3859, C replaced by T.
Protein change: p.Pro1287Ser; replaces proline 1287 with serine.
Molecular consequence: missense variant.
Genome position (GRCh38, 1-based): chr8:13,090,467, G>A on the plus strand (C>T on the coding strand, the complement: DLC1 is on the minus strand). VCF-style: chr8-13090467-G-A. GRCh37 (hg19) VCF-style: chr8-12947976-G-A.
Other names: c.2326C>T, p.Pro776Ser (NM_001164271.2, NM_001348082.2, NM_001348083.1 and 6 more transcripts); c.2650C>T, p.Pro884Ser (NM_001316668.2); c.3859C>T, p.Pro1287Ser (NM_001348081.2, NM_001413124.1); c.2641C>T, p.Pro881Ser (NM_001413130.1); c.2299C>T, p.Pro767Ser (NM_001413131.1, NM_001413137.1); c.2785C>T, p.Pro929Ser (NM_001413132.1); c.2548C>T, p.Pro850Ser (NM_001413135.1, NM_001413139.1, NM_006094.5); c.2683C>T, p.Pro895Ser (NM_001413140.1); short protein forms P1287S, P850S, P884S, P767S, P881S, P929S, P776S, P895S.
Identifiers: ClinVar variation 2215105 (VCV002215105.5), dbSNP rs775033474, ClinGen allele CA4638119.
Genomic context (GRCh38, chr8:13,090,467, plus strand): 5'-GAGTGAGGGGCTTCAGCTCTTGTTCGGTATAGGAATTACGACATCGGCTCATTTCCTCGG[G>A]AACCTGTGCGGAACATGACAGACAGAAAGGAGGTGAGTCCACCTGTACTCAATCTCAATG-3'
Protein context (NP_872584.2, residues 1277-1297): IAECKKLFQV[Pro1287Ser]EEMSRCRNSY